The following is an entry in ClinVar:

ClinVar aggregate classification (germline): Uncertain significance. Review status: criteria provided, single submitter (1 of 4 stars). 2 submissions from 2 submitters: Uncertain significance (1). 1 of the submissions does not count toward it. Last evaluated 2015-03-23.

Conditions:
PCNT-related disorder. Also called: PCNT-related condition.

Allele frequency attached by ClinVar (database versions not stated): gnomAD 0.00001 and 0.00003; gnomAD exomes 0.00002; TOPMed 0.00002; ExAC 0.00003; ESP Exome Variant Server 0.00015.
gnomAD v4.1: 23 of 1,610,538 alleles (0.0014%); highest among the groups gnomAD compares: Non-Finnish European, 0.0018%; no homozygotes.

Submissions (2):

Genetic Services Laboratory, University of Chicago
Classification: Uncertain significance. Last evaluated: 2015-03-23. Review status: criteria provided, single submitter. Criteria: ACMG Guidelines, 2015. Collection method: clinical testing. Allele origin: germline.

PreventionGenetics, part of Exact Sciences
Classification: Likely benign for PCNT-related condition. Last evaluated: 2022-05-16. Review status: no assertion criteria provided. Collection method: clinical testing. Allele origin: germline. Not counted in ClinVar's aggregate classification.
Comment: This variant is classified as likely benign based on ACMG/AMP sequence variant interpretation guidelines (Richards et al. 2015 PMID: 25741868, with internal and published modifications).

NM_006031.6(PCNT):c.3571C>T (p.Leu1191=)

Gene: PCNT (pericentrin; plus strand). Cytogenetic location: 21q22.3.
Variant type: single nucleotide variant.
Coding change: c.3571C>T on transcript NM_006031.6 (MANE Select); coding-DNA position 3571, C replaced by T.
Protein change: p.Leu1191=; no amino-acid change (leucine 1191 retained).
Molecular consequence: synonymous variant.
Genome position (GRCh38, 1-based): chr21:46,388,848, C>T. VCF-style: chr21-46388848-C-T. GRCh37 (hg19) VCF-style: chr21-47808763-C-T.
Other names: c.3217C>T, p.Leu1073= (NM_001315529.2).
Identifiers: ClinVar variation 211855 (VCV000211855.8), dbSNP rs370240856, ClinGen allele CA206281.